The following is an entry in ClinVar:

ClinVar aggregate classification (germline): Conflicting classifications of pathogenicity. Review status: criteria provided, conflicting classifications (1 of 4 stars). 5 submissions from 5 submitters: Uncertain significance (1); Likely benign (2). 2 of the submissions do not count toward it. Last evaluated 2026-01-06.

Conditions:
Primary ciliary dyskinesia. Also called: Ciliary dyskinesia. Identifiers: Orphanet 244, MedGen C0008780, MONDO:0016575, HP:0012265.

Allele frequency attached by ClinVar (database versions not stated): gnomAD 0.00001 and 0.00018; TOPMed 0.00003; gnomAD exomes 0.00027 and 0.00053; 1000 Genomes Project 0.00040; ExAC 0.00055; 1000 Genomes Project 30x 0.00062.
gnomAD v4.1: 409 of 1,614,028 alleles (0.025%); highest among the groups gnomAD compares: South Asian, 0.43%; 6 homozygotes.

Submissions (5):

Labcorp Genetics (formerly Invitae), Labcorp
Classification: Likely benign for Primary ciliary dyskinesia. Last evaluated: 2026-01-06. Review status: criteria provided, single submitter. Criteria: Invitae Variant Classification Sherloc (09022015). Collection method: clinical testing. Allele origin: germline.

Ambry Genetics
Classification: Likely benign for Primary ciliary dyskinesia. Last evaluated: 2022-05-06. Review status: criteria provided, single submitter. Criteria: Ambry Variant Classification Scheme 2023. Collection method: clinical testing. Allele origin: germline.

GeneDx
Classification: Uncertain significance. Last evaluated: 2019-05-20. Review status: criteria provided, single submitter. Criteria: GeneDx Variant Classification Process June 2021. Collection method: clinical testing. Allele origin: germline. Affected: yes.
Comment: In silico analysis, which includes protein predictors and evolutionary conservation, supports a deleterious effect; Has not been previously published as pathogenic or benign to our knowledge

Clinical Genetics DNA and cytogenetics Diagnostics Lab, Erasmus MC, Erasmus Medical Center
Classification: Uncertain significance. Review status: no assertion criteria provided. Collection method: clinical testing. Allele origin: germline. Affected: yes. Study: VKGL Data-share Consensus. Not counted in ClinVar's aggregate classification.

Laboratory of Diagnostic Genome Analysis, Leiden University Medical Center (LUMC)
Classification: Uncertain significance. Review status: no assertion criteria provided. Collection method: clinical testing. Allele origin: germline. Affected: yes. Study: VKGL Data-share Consensus. Not counted in ClinVar's aggregate classification.

NM_017950.4(CCDC40):c.2798T>G (p.Ile933Ser)

Gene: CCDC40 (coiled-coil domain 40 molecular ruler complex subunit; plus strand). Cytogenetic location: 17q25.3.
Variant type: single nucleotide variant.
Coding change: c.2798T>G on transcript NM_017950.4 (MANE Select); coding-DNA position 2798, T replaced by G.
Protein change: p.Ile933Ser; replaces isoleucine 933 with serine.
Molecular consequence: missense variant.
Genome position (GRCh38, 1-based): chr17:80,089,850, T>G. VCF-style: chr17-80089850-T-G. GRCh37 (hg19) VCF-style: chr17-78063649-T-G.
Other names: c.2798T>G, p.Ile933Ser (NM_001243342.2); short protein forms I933S.
Identifiers: ClinVar variation 414637 (VCV000414637.15), dbSNP rs564504598, ClinGen allele CA8814346.
Genomic context (GRCh38, chr17:80,089,850, plus strand): 5'-AAATCCAACTGGCAAAAGAGATGCGTTCCTCAGTGGATTCCGAGATCGGCCAGACGGAGA[T>G]CCGGGCCATGAAGGGCGAGATCCACAGGATGAAGGTGAGGGGAGGAGAGCGGCGTGGCAG-3'
Protein context (NP_060420.2, residues 923-943): SVDSEIGQTE[Ile933Ser]RAMKGEIHRM